The following is an entry in ClinVar:

ClinVar aggregate classification (germline): Benign (1 of 4 stars; one submission).

Conditions:
Fraser syndrome 1 (FRASRS1). Also called: CRYPTOPHTHALMOS WITH OTHER MALFORMATIONS. Identifiers: Orphanet 2052, MedGen C4551480, MONDO:0054737, OMIM 219000.

Allele frequency attached by ClinVar (database versions not stated): gnomAD 0.00664 and 0.00710; TOPMed 0.00716; 1000 Genomes Project 0.00739; 1000 Genomes Project 30x 0.00765; gnomAD exomes 0.02632.
gnomAD v4.1: 1,001 of 152,312 alleles (0.66%); highest among the groups gnomAD compares: African/African-American, 2.2%; 15 homozygotes.

Submission:

Illumina Laboratory Services, Illumina
Classification: Benign for Fraser syndrome 1. Last evaluated: 2018-01-13. Review status: criteria provided, single submitter. Criteria: ICSL Variant Classification Criteria 13 December 2019. Collection method: clinical testing. Allele origin: germline.
Comment: This variant was observed in the ICSL laboratory as part of a predisposition screen in an ostensibly healthy population. It had not been previously curated by ICSL or reported in the Human Gene Mutation Database (HGMD: prior to June 1st, 2018), and was therefore a candidate for classification through an automated scoring system. Utilizing variant allele frequency, disease prevalence and penetrance estimates, and inheritance mode, an automated score was calculated to assess if this variant is too frequent to cause the disease. Based on the score and internal cut-off values, a variant classified as benign is not then subjected to further curation. The score for this variant resulted in a classification of benign for this disease.

NM_025074.7(FRAS1):c.*2370G>A

Gene: FRAS1 (Fraser extracellular matrix complex subunit 1; plus strand). Cytogenetic location: 4q21.21.
Variant type: single nucleotide variant.
Coding change: c.*2370G>A on transcript NM_025074.7 (MANE Select); 2370 bases downstream of the stop codon, G replaced by A.
Molecular consequence: 3 prime UTR variant.
Genome position (GRCh38, 1-based): chr4:78,543,494, G>A. VCF-style: chr4-78543494-G-A. GRCh37 (hg19) VCF-style: chr4-79464648-G-A.
Identifiers: ClinVar variation 349860 (VCV000349860.5), dbSNP rs116617672, ClinGen allele CA10618466.
Genomic context (GRCh38, chr4:78,543,494, plus strand): 5'-GCAGAATGAAGCTAGAGTGGGAAGGACTAAAGACTGAGCCCCAGAGTGCTCCCAGCAACC[G>A]CCACGTACAAGGTCTGAAATGACAAGGGCAAGAGTGAGATAGGAAACTGTGTGTGAAAGG-3'